The following is an entry in ClinVar:

ClinVar aggregate classification (germline): Uncertain significance (1 of 4 stars; one submission).

Conditions:
Juvenile polyposis syndrome (JPS). Identifiers: Orphanet 2929, MedGen C0345893, MONDO:0017380, OMIM 174900.

Submission:

Labcorp Genetics (formerly Invitae), Labcorp
Classification: Uncertain significance for Juvenile polyposis syndrome. Last evaluated: 2023-06-27. Review status: criteria provided, single submitter. Criteria: Invitae Variant Classification Sherloc (09022015). Collection method: clinical testing. Allele origin: germline.
Comment: This variant has not been reported in the literature in individuals affected with SMAD4-related conditions. This variant is not present in population databases (gnomAD no frequency). This sequence change replaces proline, which is neutral and non-polar, with arginine, which is basic and polar, at codon 320 of the SMAD4 protein (p.Pro320Arg). Advanced modeling of protein sequence and biophysical properties (such as structural, functional, and spatial information, amino acid conservation, physicochemical variation, residue mobility, and thermodynamic stability) has been performed at Invitae for this missense variant, however the output from this modeling did not meet the statistical confidence thresholds required to predict the impact of this variant on SMAD4 protein function. In summary, the available evidence is currently insufficient to determine the role of this variant in disease. Therefore, it has been classified as a Variant of Uncertain Significance. Algorithms developed to predict the effect of sequence changes on RNA splicing suggest that this variant may disrupt the consensus splice site.

NM_005359.6(SMAD4):c.959C>G (p.Pro320Arg)

Gene: SMAD4 (SMAD family member 4; plus strand). Cytogenetic location: 18q21.2.
Variant type: single nucleotide variant.
Coding change: c.959C>G on transcript NM_005359.6 (MANE Select); coding-DNA position 959, C replaced by G.
Protein change: p.Pro320Arg; replaces proline 320 with arginine.
Molecular consequence: missense variant. On other transcripts: non-coding transcript variant (2).
Genome position (GRCh38, 1-based): chr18:51,065,426, C>G. VCF-style: chr18-51065426-C-G. GRCh37 (hg19) VCF-style: chr18-48591796-C-G.
Other names: c.959C>G, p.Pro320Arg (NM_001407041.1, NM_001407042.1, NM_001407043.1); short protein forms P320R.
Identifiers: ClinVar variation 2731164 (VCV002731164.3), dbSNP rs2144446293, ClinGen allele CA402464082.